The following is an entry in ClinVar:

ClinVar aggregate classification (germline): Uncertain significance. Review status: criteria provided, multiple submitters, no conflicts (2 of 4 stars). 2 submissions from 2 submitters: Uncertain significance (2). Last evaluated 2022-03-22.

Conditions:
Glycogen storage disease, type VI (GSD6). Also called: Glycogen storage disease type 6; Hepatic glycogen phosphorylase deficiency; PHOSPHORYLASE DEFICIENCY GLYCOGEN-STORAGE DISEASE OF LIVER; Glycogen storage disease type 6, due to phosphorylation; GSD VI; HERS DISEASE. Identifiers: Orphanet 369, MedGen C0017925, MONDO:0009294, OMIM 232700.

Allele frequency attached by ClinVar (database versions not stated): gnomAD exomes below 0.00001; TOPMed 0.00001.
gnomAD v4.1: 3 of 1,614,166 alleles (0.00019%); highest among the groups gnomAD compares: Non-Finnish European, 0.00025%; no homozygotes.

Submissions (2):

3billion
Classification: Uncertain significance for Glycogen storage disease, type VI. Last evaluated: 2022-03-22. Review status: criteria provided, single submitter. Criteria: ACMG Guidelines, 2015. Collection method: clinical testing. Allele origin: germline. Affected: yes. Observed: 1 homozygote.
Comment: The variant is not observed in the gnomAD v2.1.1 dataset. In silico tool predictions suggest damaging effect of the variant on gene or gene product (REVEL: 0.843>=0.6). Therefore, this variant is classified as uncertain significance according to the recommendation of ACMG/AMP guideline.

Labcorp Genetics (formerly Invitae), Labcorp
Classification: Uncertain significance for Glycogen storage disease, type VI. Last evaluated: 2019-11-14. Review status: criteria provided, single submitter. Criteria: Invitae Variant Classification Sherloc (09022015). Collection method: clinical testing. Allele origin: germline.
Comment: This sequence change replaces arginine with histidine at codon 243 of the PYGL protein (p.Arg243His). The arginine residue is highly conserved and there is a small physicochemical difference between arginine and histidine. This variant is not present in population databases (ExAC no frequency). This variant has not been reported in the literature in individuals with PYGL-related conditions. Algorithms developed to predict the effect of missense changes on protein structure and function (SIFT, PolyPhen-2, Align-GVGD) all suggest that this variant is likely to be disruptive, but these predictions have not been confirmed by published functional studies and their clinical significance is uncertain. In summary, the available evidence is currently insufficient to determine the role of this variant in disease. Therefore, it has been classified as a Variant of Uncertain Significance.

NM_002863.5(PYGL):c.728G>A (p.Arg243His)

Gene: PYGL (glycogen phosphorylase L; minus strand). Cytogenetic location: 14q22.1.
Variant type: single nucleotide variant.
Coding change: c.728G>A on transcript NM_002863.5 (MANE Select); coding-DNA position 728, G replaced by A.
Protein change: p.Arg243His; replaces arginine 243 with histidine.
Molecular consequence: missense variant.
Genome position (GRCh38, 1-based): chr14:50,921,000, C>T on the plus strand (G>A on the coding strand, the complement: PYGL is on the minus strand). VCF-style: chr14-50921000-C-T. GRCh37 (hg19) VCF-style: chr14-51387718-C-T.
Other names: c.626G>A, p.Arg209His (NM_001163940.2); short protein forms R209H, R243H.
Identifiers: ClinVar variation 955776 (VCV000955776.2), dbSNP rs1445713979, ClinGen allele CA389691737.